The following is an entry in ClinVar:

NM_013266.4(CTNNA3):c.1903G>A (p.Asp635Asn)

Genes: CTNNA3 (catenin alpha 3; minus strand), CTNNA3-AS1 (CTNNA3 antisense RNA 1; plus strand). Cytogenetic location: 10q21.3.
Variant type: single nucleotide variant.
Coding change: c.1903G>A on transcript NM_013266.4 (MANE Select); coding-DNA position 1903, G replaced by A.
Protein change: p.Asp635Asn; replaces aspartic acid 635 with asparagine.
Molecular consequence: missense variant.
Genome position (GRCh38, 1-based): chr10:66,103,231, C>T on the plus strand (G>A on the coding strand, the complement: CTNNA3 is on the minus strand). VCF-style: chr10-66103231-C-T. GRCh37 (hg19) VCF-style: chr10-67862989-C-T.
Other names: c.1903G>A, p.Asp635Asn (NM_001127384.3); c.1903G>A (NM_013266.2); short protein forms D635N.
Identifiers: ClinVar variation 2897723 (VCV002897723.4), dbSNP rs1180223980, ClinGen allele CA377090794.

ClinVar aggregate classification (germline): Uncertain significance. Review status: criteria provided, multiple submitters, no conflicts (2 of 4 stars). 2 submissions from 2 submitters: Uncertain significance (2). Last evaluated 2025-08-02.

Conditions:
Arrhythmogenic right ventricular dysplasia 13. Also called: ARRHYTHMOGENIC RIGHT VENTRICULAR CARDIOMYOPATHY 13; Arrhythmogenic right ventricular dysplasia, familial, 13. Identifiers: MedGen C3810138, MONDO:0000908, OMIM 615616.

Allele frequency attached by ClinVar (database versions not stated): TOPMed 0.00001.
gnomAD v4.1: 13 of 1,613,916 alleles (0.00081%); highest among the groups gnomAD compares: Non-Finnish European, 0.001%; no homozygotes.

Submissions (2):

Ambry Genetics
Classification: Uncertain significance. Last evaluated: 2025-08-02. Review status: criteria provided, single submitter. Criteria: Ambry Variant Classification Scheme 2023. Collection method: clinical testing. Allele origin: germline.

Labcorp Genetics (formerly Invitae), Labcorp
Classification: Uncertain significance for Arrhythmogenic right ventricular dysplasia 13. Last evaluated: 2023-07-14. Review status: criteria provided, single submitter. Criteria: Invitae Variant Classification Sherloc (09022015). Collection method: clinical testing. Allele origin: germline.
Comment: This variant is not present in population databases (gnomAD no frequency). This sequence change replaces aspartic acid, which is acidic and polar, with asparagine, which is neutral and polar, at codon 635 of the CTNNA3 protein (p.Asp635Asn). This variant has not been reported in the literature in individuals affected with CTNNA3-related conditions. Advanced modeling of protein sequence and biophysical properties (such as structural, functional, and spatial information, amino acid conservation, physicochemical variation, residue mobility, and thermodynamic stability) performed at Invitae indicates that this missense variant is not expected to disrupt CTNNA3 protein function. In summary, the available evidence is currently insufficient to determine the role of this variant in disease. Therefore, it has been classified as a Variant of Uncertain Significance.